The following is an entry in ClinVar:

NM_005591.4(MRE11):c.707A>C (p.Asp236Ala)

Gene: MRE11 (MRE11 double strand break repair nuclease; minus strand). Cytogenetic location: 11q21.
Variant type: single nucleotide variant.
Coding change: c.707A>C on transcript NM_005591.4 (MANE Select); coding-DNA position 707, A replaced by C.
Protein change: p.Asp236Ala; replaces aspartic acid 236 with alanine.
Molecular consequence: missense variant.
Genome position (GRCh38, 1-based): chr11:94,471,712, T>G on the plus strand (A>C on the coding strand, the complement: MRE11 is on the minus strand). VCF-style: chr11-94471712-T-G. GRCh37 (hg19) VCF-style: chr11-94204878-T-G.
Other names: c.707A>C, p.Asp236Ala (NM_001330347.2, NM_005590.4); short protein forms D236A.
Identifiers: ClinVar variation 826823 (VCV000826823.13), dbSNP rs1591695442, ClinGen allele CA382375857.

ClinVar aggregate classification (germline): Uncertain significance. Review status: criteria provided, multiple submitters, no conflicts (2 of 4 stars). 2 submissions from 2 submitters: Uncertain significance (2). Last evaluated 2020-09-13.

Conditions:
Hereditary cancer-predisposing syndrome. Also called: Neoplastic Syndromes, Hereditary; Tumor predisposition; Hereditary neoplastic syndrome; Hereditary Cancer Syndrome. Identifiers: Orphanet 140162, MedGen C0027672, MeSH D009386, MONDO:0015356.
Ataxia-telangiectasia-like disorder (ATLD). Identifiers: MedGen C1858391, MONDO:0011457.

Allele frequency attached by ClinVar (database versions not stated): gnomAD exomes 0.00001.
gnomAD v4.1: 10 of 1,612,606 alleles (0.00062%); highest among the groups gnomAD compares: Non-Finnish European, 0.00085%; no homozygotes.

Submissions (2):

Labcorp Genetics (formerly Invitae), Labcorp
Classification: Uncertain significance for Ataxia-telangiectasia-like disorder. Last evaluated: 2020-09-13. Review status: criteria provided, single submitter. Criteria: Invitae Variant Classification Sherloc (09022015). Collection method: clinical testing. Allele origin: germline.
Comment: In summary, the available evidence is currently insufficient to determine the role of this variant in disease. Therefore, it has been classified as a Variant of Uncertain Significance. Algorithms developed to predict the effect of missense changes on protein structure and function are either unavailable or do not agree on the potential impact of this missense change (SIFT: "Deleterious"; PolyPhen-2: "Possibly Damaging"; Align-GVGD: "Class C0"). This variant has not been reported in the literature in individuals with MRE11-related conditions. ClinVar contains an entry for this variant (Variation ID: 826823). This variant is not present in population databases (ExAC no frequency). This sequence change replaces aspartic acid with alanine at codon 236 of the MRE11 protein (p.Asp236Ala). The aspartic acid residue is highly conserved and there is a moderate physicochemical difference between aspartic acid and alanine.

Ambry Genetics
Classification: Uncertain significance for Hereditary cancer-predisposing syndrome. Last evaluated: 2018-11-13. Review status: criteria provided, single submitter. Criteria: Ambry Variant Classification Scheme 2023. Collection method: clinical testing. Allele origin: germline.
Comment: The p.D236A variant (also known as c.707A>C), located in coding exon 7 of the MRE11A gene, results from an A to C substitution at nucleotide position 707. The aspartic acid at codon 236 is replaced by alanine, an amino acid with dissimilar properties. This amino acid position is well conserved in available vertebrate species. In addition, the in silico prediction for this alteration is inconclusive. Since supporting evidence is limited at this time, the clinical significance of this alteration remains unclear.